The following is an entry in ClinVar:

ClinVar aggregate classification (germline): Conflicting classifications of pathogenicity. Review status: criteria provided, conflicting classifications (1 of 4 stars). 2 submissions from 2 submitters: Likely pathogenic (1); Uncertain significance (1). Last evaluated 2023-05-18.

Conditions:
Familial thoracic aortic aneurysm and aortic dissection (TAAD). Also called: Thoracic aortic aneurysms and dissections. Identifiers: Orphanet 91387, MedGen C4707243, MONDO:0019625.

Submissions (2):

GeneDx
Classification: Likely pathogenic. Last evaluated: 2023-05-18. Review status: criteria provided, single submitter. Criteria: GeneDx Variant Classification Process June 2021. Collection method: clinical testing. Allele origin: germline. Affected: yes.
Comment: Canonical splice site variant predicted to result in a null allele in a gene for which loss of function is a known mechanism of disease; Not observed at significant frequency in large population cohorts (gnomAD); Has not been previously published as pathogenic or benign to our knowledge

All of Us Research Program, National Institutes of Health
Classification: Uncertain significance for Familial thoracic aortic aneurysm and aortic dissection. Last evaluated: 2023-05-04. Review status: criteria provided, single submitter. Criteria: ACMG Guidelines, 2015. Collection method: clinical testing. Allele origin: germline. Inheritance: Autosomal dominant inheritance. Observed: 1 variant allele, 1 heterozygote.
Comment: This variant causes a T to C nucleotide substitution at the +2 position of intron 17 of the MYH11 gene. Splice site prediction tools suggest that this variant may disrupt RNA splicing. To our knowledge, functional RNA studies have not been reported for this variant. This variant has not been reported in individuals affected with MYH11-related disorders in the literature. This variant has not been identified in the general population by the Genome Aggregation Database (gnomAD). Clinical significance of loss-of-function MYH11 truncation and splice variants in autosomal dominant cardiovascular disorders is not clearly established. The available evidence is insufficient to determine the role of this variant in disease conclusively. Therefore, this variant is classified as a Variant of Uncertain Significance.

This study involves interpretation of variants in research participants for the purpose of population health screening. Participant phenotype was not available at the time of variant classification. Additional details can be found in publication PMID: 35346344, PMCID: PMC8962531

NM_002474.3(MYH11):c.2058+2T>C

Gene: MYH11 (myosin heavy chain 11; minus strand). Cytogenetic location: 16p13.11.
Variant type: single nucleotide variant.
Coding change: c.2058+2T>C on transcript NM_002474.3 (MANE Select); the canonical splice donor site of the intron after coding-DNA position 2058, T replaced by C.
Molecular consequence: splice donor variant.
Genome position (GRCh38, 1-based): chr16:15,750,136, A>G on the plus strand (T>C on the coding strand, the complement: MYH11 is on the minus strand). VCF-style: chr16-15750136-A-G. GRCh37 (hg19) VCF-style: chr16-15843993-A-G.
Other names: c.2058+2T>C (NM_022844.3); c.2079+2T>C (NM_001040114.2, NM_001040113.2).
Identifiers: ClinVar variation 3070784 (VCV003070784.2), dbSNP rs2506295278, ClinGen allele CA394868701.